The following is an entry in ClinVar:

ClinVar aggregate classification (germline): Uncertain significance (1 of 4 stars; one submission).

Conditions:
Malignant hyperthermia, susceptibility to, 5 (MHS5). Also called: CACNA1S-Related Malignant Hyperthermia Susceptibility. Identifiers: Orphanet 423, MedGen C1866077, MONDO:0011163, OMIM 601887.

Submission:

Color Diagnostics, LLC DBA Color Health
Classification: Uncertain significance for Malignant hyperthermia, susceptibility to, 5. Last evaluated: 2025-05-12. Review status: criteria provided, single submitter. Criteria: ACMG Guidelines, 2015. Collection method: clinical testing. Allele origin: germline.
Comment: This missense variant replaces phenylalanine with serine at codon 1598 of the CACNA1S protein. Computational prediction suggests that this variant may not impact protein structure and function. To our knowledge, functional studies have not been reported for this variant. This variant has not been reported in individuals affected with CACNA1S-related disorders in the literature. This variant has not been identified in the general population by the Genome Aggregation Database (gnomAD). The available evidence is insufficient to determine the role of this variant in disease conclusively. Therefore, this variant is classified as a Variant of Uncertain Significance.

NM_000069.3(CACNA1S):c.4793T>C (p.Phe1598Ser)

Gene: CACNA1S (calcium voltage-gated channel subunit alpha1 S; minus strand). Cytogenetic location: 1q32.1.
Variant type: single nucleotide variant.
Coding change: c.4793T>C on transcript NM_000069.3 (MANE Select); coding-DNA position 4793, T replaced by C.
Protein change: p.Phe1598Ser; replaces phenylalanine 1598 with serine.
Molecular consequence: missense variant.
Genome position (GRCh38, 1-based): chr1:201,044,332, A>G on the plus strand (T>C on the coding strand, the complement: CACNA1S is on the minus strand). VCF-style: chr1-201044332-A-G. GRCh37 (hg19) VCF-style: chr1-201013460-A-G.
Other names: short protein forms F1598S.
Identifiers: ClinVar variation 4756753 (VCV004756753.1).